The following is an entry in ClinVar:

ClinVar aggregate classification (germline): Pathogenic (1 of 4 stars; one submission).

Conditions:
Hereditary cancer-predisposing syndrome. Also called: Neoplastic Syndromes, Hereditary; Tumor predisposition; Hereditary Cancer Syndrome; Hereditary neoplastic syndrome. Identifiers: Orphanet 140162, MedGen C0027672, MeSH D009386, MONDO:0015356.

Submission:

Ambry Genetics
Classification: Pathogenic for Hereditary cancer-predisposing syndrome. Last evaluated: 2020-07-02. Review status: criteria provided, single submitter. Criteria: Ambry Variant Classification Scheme 2023. Collection method: clinical testing. Allele origin: germline.
Comment: The c.3059_3060insCCAT pathogenic mutation, located in coding exon 26 of the TSC2 gene, results from an insertion of 4 nucleotides at position 3059, causing a translational frameshift with a predicted alternate stop codon (p.E1021Hfs*148). This alteration is expected to result in loss of function by premature protein truncation or nonsense-mediated mRNA decay. As such, this alteration is interpreted as a disease-causing mutation.

NM_000548.5(TSC2):c.3059_3060insCCAT (p.Glu1021fs)

Gene: TSC2 (TSC complex subunit 2; plus strand). Cytogenetic location: 16p13.3.
Variant type: Insertion.
Coding change: c.3059_3060insCCAT on transcript NM_000548.5 (MANE Select); coding-DNA positions 3059 to 3060, CCAT inserted.
Protein change: p.Glu1021fs; shifts the reading frame from glutamic acid 1021.
Molecular consequence: frameshift variant.
Genome position: GRCh38 VCF-style: chr16-2079123-C-CTCCA. GRCh37 (hg19) VCF-style: chr16-2129124-C-CTCCA.
Other names: c.2927_2928insCCAT, p.Glu977fs (NM_001077183.3, NM_001370404.1); c.3059_3060insCCAT, p.Glu1021fs (NM_001114382.3); c.2819_2820insCCAT, p.Glu941fs (NM_001318827.2); c.2783_2784insCCAT, p.Glu929fs (NM_001318829.2); c.2327_2328insCCAT, p.Glu777fs (NM_001318831.2); c.2960_2961insCCAT, p.Glu988fs (NM_001318832.2); c.2930_2931insCCAT, p.Glu978fs (NM_001363528.2, NM_001370405.1, NM_021055.3); c.3056_3057insCCAT, p.Glu1020Hisfs (NM_001406663.1, NM_001406664.1); and 20 more; short protein forms E929fs, E978fs, E1021fs, E941fs, E977fs, E777fs, E988fs.
Identifiers: ClinVar variation 1799323 (VCV001799323.2), dbSNP rs2544032026, ClinGen allele CA2580090903.